The following is an entry in ClinVar:

ClinVar aggregate classification (germline): Likely benign. Review status: criteria provided, single submitter (1 of 4 stars). 2 submissions from 2 submitters: Likely benign (1). 1 of the submissions does not count toward it. Last evaluated 2025-12-15.

Conditions:
OR2W3-related disorder. Also called: OR2W3-related condition.

Allele frequency attached by ClinVar (database versions not stated): ExAC 0.00001; gnomAD exomes 0.00002; gnomAD 0.00005 and 0.00006; TOPMed 0.00006.

Submissions (2):

Labcorp Genetics (formerly Invitae), Labcorp
Classification: Likely benign. Last evaluated: 2025-12-15. Review status: criteria provided, single submitter. Criteria: Invitae Variant Classification Sherloc (09022015). Collection method: clinical testing. Allele origin: germline.

PreventionGenetics, part of Exact Sciences
Classification: Likely benign for OR2W3-related condition. Last evaluated: 2019-08-28. Review status: no assertion criteria provided. Collection method: clinical testing. Allele origin: germline. Not counted in ClinVar's aggregate classification.
Comment: This variant is classified as likely benign based on ACMG/AMP sequence variant interpretation guidelines (Richards et al. 2015 PMID: 25741868, with internal and published modifications).

NM_001001957.2(OR2W3):c.585C>T (p.Ile195=)

Gene: OR2W3 (olfactory receptor family 2 subfamily W member 3; plus strand). Cytogenetic location: 1q44.
Variant type: single nucleotide variant.
Coding change: c.585C>T on transcript NM_001001957.2 (MANE Select); coding-DNA position 585, C replaced by T.
Protein change: p.Ile195=; no amino-acid change (isoleucine 195 retained).
Molecular consequence: synonymous variant.
Genome position (GRCh38, 1-based): chr1:247,896,171, C>T. VCF-style: chr1-247896171-C-T. GRCh37 (hg19) VCF-style: chr1-248059473-C-T.
Identifiers: ClinVar variation 1569668 (VCV001569668.9), dbSNP rs376214113, ClinGen allele CA1498640.